The following is an entry in ClinVar:

NM_000038.6(APC):c.1195A>G (p.Arg399Gly)

Gene: APC (APC regulator of Wnt signaling pathway; plus strand). Cytogenetic location: 5q22.2.
Variant type: single nucleotide variant.
Coding change: c.1195A>G on transcript NM_000038.6 (MANE Select); coding-DNA position 1195, A replaced by G.
Protein change: p.Arg399Gly; replaces arginine 399 with glycine.
Molecular consequence: missense variant. On other transcripts: intron variant (4).
Genome position (GRCh38, 1-based): chr5:112,819,227, A>G. VCF-style: chr5-112819227-A-G. GRCh37 (hg19) VCF-style: chr5-112154924-A-G.
Other names: c.1195A>G, p.Arg399Gly (NM_001127510.3, NM_001354895.2, NM_001354896.2); c.1141A>G, p.Arg381Gly (NM_001127511.3); c.1225A>G, p.Arg409Gly (NM_001354897.2); c.1120A>G, p.Arg374Gly (NM_001354898.2); c.1111A>G, p.Arg371Gly (NM_001354899.2); c.1018A>G, p.Arg340Gly (NM_001354900.2, NM_001354901.2); c.346A>G, p.Arg116Gly (NM_001354906.2); c.964-42A>G (NM_001354902.2); and 3 more; short protein forms R116G, R371G, R381G, R409G, R340G, R374G, R399G.
Identifiers: ClinVar variation 859742 (VCV000859742.11), dbSNP rs1232360688, ClinGen allele CA16023921.

ClinVar aggregate classification (germline): Uncertain significance. Review status: criteria provided, multiple submitters, no conflicts (2 of 4 stars). 2 submissions from 2 submitters: Uncertain significance (2). Last evaluated 2026-04-21.

Conditions:
Familial adenomatous polyposis 1 (FAP1). Also called: FAMILIAL ADENOMATOUS POLYPOSIS 1, ATTENUATED; POLYPOSIS, ADENOMATOUS INTESTINAL. Identifiers: MedGen C2713442, MONDO:0021056, OMIM 175100. Disease mechanism: loss of function.
Hereditary cancer-predisposing syndrome. Also called: Tumor predisposition; Neoplastic Syndromes, Hereditary; Hereditary neoplastic syndrome; Hereditary Cancer Syndrome. Identifiers: Orphanet 140162, MedGen C0027672, MeSH D009386, MONDO:0015356.

Allele frequency attached by ClinVar (database versions not stated): TOPMed below 0.00001.

Submissions (2):

Ambry Genetics
Classification: Uncertain significance for Hereditary cancer-predisposing syndrome. Last evaluated: 2026-04-21. Review status: criteria provided, single submitter. Criteria: Ambry Variant Classification Scheme 2023. Collection method: clinical testing. Allele origin: germline.
Comment: The p.R399G variant (also known as c.1195A>G), located in coding exon 9 of the APC gene, results from an A to G substitution at nucleotide position 1195. The arginine at codon 399 is replaced by glycine, an amino acid with dissimilar properties. This amino acid position is highly conserved in available vertebrate species. In addition, in silico predictors for this gene do not accurately predict pathogenicity. Missense variants in APC are not a common cause of disease (Spier I et al. Genet Med. 2024 Feb;26(2):100992). Based on the available evidence, the clinical significance of this variant remains unclear.

Labcorp Genetics (formerly Invitae), Labcorp
Classification: Uncertain significance for Familial adenomatous polyposis 1. Last evaluated: 2021-03-01. Review status: criteria provided, single submitter. Criteria: Invitae Variant Classification Sherloc (09022015). Collection method: clinical testing. Allele origin: germline.
Comment: In summary, the available evidence is currently insufficient to determine the role of this variant in disease. Therefore, it has been classified as a Variant of Uncertain Significance. This sequence change replaces arginine with glycine at codon 399 of the APC protein (p.Arg399Gly). The arginine residue is highly conserved and there is a moderate physicochemical difference between arginine and glycine. This variant is not present in population databases (ExAC no frequency). This variant has not been reported in the literature in individuals with APC-related conditions. Algorithms developed to predict the effect of missense changes on protein structure and function are either unavailable or do not agree on the potential impact of this missense change (SIFT: "Deleterious"; PolyPhen-2: "Possibly Damaging"; Align-GVGD: "Class C0").